The following is an entry in ClinVar:

NM_017617.5(NOTCH1):c.16G>A (p.Ala6Thr)

Genes: NOTCH1 (notch receptor 1; minus strand), LOC130003020 (ATAC-STARR-seq lymphoblastoid silent region 20528; plus strand). Cytogenetic location: 9q34.3.
Variant type: single nucleotide variant.
Coding change: c.16G>A on transcript NM_017617.5 (MANE Select); coding-DNA position 16, G replaced by A.
Protein change: p.Ala6Thr; replaces alanine 6 with threonine.
Molecular consequence: missense variant.
Genome position (GRCh38, 1-based): chr9:136,545,771, C>T on the plus strand (G>A on the coding strand, the complement: NOTCH1 is on the minus strand). VCF-style: chr9-136545771-C-T. GRCh37 (hg19) VCF-style: chr9-139440223-C-T.
Other names: c.16G>A, p.Ala6Thr (LRG_1122t1); short protein forms A6T.
Identifiers: ClinVar variation 575392 (VCV000575392.9), dbSNP rs1564217184, ClinGen allele CA375579892.

ClinVar aggregate classification (germline): Uncertain significance (1 of 4 stars; one submission).

Conditions:
Adams-Oliver syndrome 5 (AOS5). Identifiers: Orphanet 974, MedGen C4014970, MONDO:0014459, OMIM 616028.

Allele frequency attached by ClinVar (database versions not stated): TOPMed below 0.00001.

Submission:

Labcorp Genetics (formerly Invitae), Labcorp
Classification: Uncertain significance for Adams-Oliver syndrome 5. Last evaluated: 2024-03-16. Review status: criteria provided, single submitter. Criteria: Invitae Variant Classification Sherloc (09022015). Collection method: clinical testing. Allele origin: germline.
Comment: This sequence change replaces alanine, which is neutral and non-polar, with threonine, which is neutral and polar, at codon 6 of the NOTCH1 protein (p.Ala6Thr). This variant is not present in population databases (gnomAD no frequency). This variant has not been reported in the literature in individuals affected with NOTCH1-related conditions. ClinVar contains an entry for this variant (Variation ID: 575392). Advanced modeling of protein sequence and biophysical properties (such as structural, functional, and spatial information, amino acid conservation, physicochemical variation, residue mobility, and thermodynamic stability) performed at Invitae indicates that this missense variant is not expected to disrupt NOTCH1 protein function with a negative predictive value of 95%. In summary, the available evidence is currently insufficient to determine the role of this variant in disease. Therefore, it has been classified as a Variant of Uncertain Significance.